The following is an entry in ClinVar:

ClinVar aggregate classification (germline): Benign. Review status: criteria provided, multiple submitters, no conflicts (2 of 4 stars). 3 submissions from 3 submitters: Benign (2). 1 of the submissions does not count toward it. Last evaluated 2026-01-29.

Conditions:
SUN1-related disorder. Also called: SUN1-related condition.
Emery-Dreifuss muscular dystrophy (EDMD). Also called: Scapuloperoneal syndrome, X-linked (formerly); Humeroperoneal neuromuscular disease, (formerly). Identifiers: Orphanet 261, MedGen C0410189, MONDO:0016830.

Allele frequency attached by ClinVar (database versions not stated): TOPMed 0.00495; gnomAD 0.00518 and 0.00573; ESP Exome Variant Server 0.00544; 1000 Genomes Project 0.00659; 1000 Genomes Project 30x 0.00687; gnomAD exomes 0.00791; ExAC 0.01256.
gnomAD v4.1: 11,527 of 1,607,702 alleles (0.72%); highest among the groups gnomAD compares: Middle Eastern, 2.9%; 118 homozygotes.

Submissions (3):

Labcorp Genetics (formerly Invitae), Labcorp
Classification: Benign for Emery-Dreifuss muscular dystrophy. Last evaluated: 2026-01-29. Review status: criteria provided, single submitter. Criteria: Invitae Variant Classification Sherloc (09022015). Collection method: clinical testing. Allele origin: germline.

CeGaT Center for Human Genetics Tuebingen
Classification: Benign. Last evaluated: 2023-01-01. Review status: criteria provided, single submitter. Criteria: CeGaT Center For Human Genetics Tuebingen Variant Classification Criteria Version 2. Collection method: clinical testing. Allele origin: germline. Affected: yes. Observed: 1 variant allele.
Comment: SUN1: BP4, BS1, BS2

PreventionGenetics, part of Exact Sciences
Classification: Benign for SUN1-related condition. Last evaluated: 2019-02-20. Review status: no assertion criteria provided. Collection method: clinical testing. Allele origin: germline. Not counted in ClinVar's aggregate classification.
Comment: This variant is classified as benign based on ACMG/AMP sequence variant interpretation guidelines (Richards et al. 2015 PMID: 25741868, with internal and published modifications).

NM_001130965.3(SUN1):c.738G>T (p.Trp246Cys)

Gene: SUN1 (Sad1 and UNC84 domain containing 1; plus strand). Cytogenetic location: 7p22.3.
Variant type: single nucleotide variant.
Coding change: c.738G>T on transcript NM_001130965.3 (MANE Select); coding-DNA position 738, G replaced by T.
Protein change: p.Trp246Cys; replaces tryptophan 246 with cysteine.
Molecular consequence: missense variant. On other transcripts: non-coding transcript variant (3), intron variant (12).
Genome position (GRCh38, 1-based): chr7:851,463, G>T. VCF-style: chr7-851463-G-T. GRCh37 (hg19) VCF-style: chr7-891100-G-T.
Other names: c.738G>T, p.Trp246Cys (NM_001367633.1, NM_001367634.1, NM_001367653.1 and 3 more transcripts); c.392G>T, p.Gly131Val (NM_001367635.1); c.981G>T, p.Trp327Cys (NM_001367636.1, NM_001367655.1, NM_001367666.1 and 1 more transcripts); c.849G>T, p.Trp283Cys (NM_001367638.1, NM_001367664.1, NM_001367685.1 and 1 more transcripts); c.282G>T, p.Trp94Cys (NM_001367639.1); c.1020G>T, p.Trp340Cys (NM_001367641.1, NM_001367682.1, NM_001367698.1); c.933G>T, p.Trp311Cys (NM_001367643.1, NM_001367693.1, NM_001367697.1); c.672G>T, p.Trp224Cys (NM_001367644.1, NM_001367680.1, NM_001367701.1); and 24 more; short protein forms W246C, W261C, W283C, W299C, W384C, W57C, W94C, A30S.
Identifiers: ClinVar variation 461666 (VCV000461666.37), dbSNP rs142011077, ClinGen allele CA4111900.